The following is an entry in ClinVar:

NM_003900.5(SQSTM1):c.1279G>A (p.Ala427Thr)

Gene: SQSTM1 (sequestosome 1; plus strand). Cytogenetic location: 5q35.3.
Variant type: single nucleotide variant.
Coding change: c.1279G>A on transcript NM_003900.5 (MANE Select); coding-DNA position 1279, G replaced by A.
Protein change: p.Ala427Thr; replaces alanine 427 with threonine.
Molecular consequence: missense variant.
Genome position (GRCh38, 1-based): chr5:179,836,549, G>A. VCF-style: chr5-179836549-G-A. GRCh37 (hg19) VCF-style: chr5-179263549-G-A.
Other names: c.1027G>A, p.Ala343Thr (NM_001142298.2, NM_001142299.2); short protein forms A343T, A427T.
Identifiers: ClinVar variation 3068681 (VCV003068681.3), dbSNP rs771743528, ClinGen allele CA3600878.

ClinVar aggregate classification (germline): Uncertain significance. Review status: criteria provided, multiple submitters, no conflicts (2 of 4 stars). 2 submissions from 2 submitters: Uncertain significance (2). Last evaluated 2025-06-24.

Conditions:
Neurodegeneration with ataxia, dystonia, and gaze palsy, childhood-onset (NADGP). Identifiers: MedGen C4310693, MONDO:0014940, OMIM 617145.
Paget disease of bone 2, early-onset (PDB2). Also called: Paget disease of bone 2. Identifiers: MedGen C4085251, MONDO:0011183, OMIM 602080.
Frontotemporal dementia and/or amyotrophic lateral sclerosis 1 (FTDALS1). Also called: Frontotemporal dementia with motor neuron disease 1; C9orf72 Frontotemporal Dementia and/or Amyotrophic Lateral Sclerosis. Identifiers: Orphanet 275872, MedGen C5779877, MONDO:0007105, OMIM 105550.

Allele frequency attached by ClinVar (database versions not stated): gnomAD 0.00001; TOPMed 0.00001; ExAC 0.00002; gnomAD exomes 0.00002; 1000 Genomes Project 30x 0.00016.
gnomAD v4.1: 25 of 1,614,150 alleles (0.0015%); highest among the groups gnomAD compares: South Asian, 0.019%; no homozygotes.

Submissions (2):

Labcorp Genetics (formerly Invitae), Labcorp
Classification: Uncertain significance for Paget disease of bone 2, early-onset; Frontotemporal dementia and/or amyotrophic lateral sclerosis 1. Last evaluated: 2025-06-24. Review status: criteria provided, single submitter. Criteria: Invitae Variant Classification Sherloc (09022015). Collection method: clinical testing. Allele origin: germline.
Comment: This sequence change replaces alanine, which is neutral and non-polar, with threonine, which is neutral and polar, at codon 427 of the SQSTM1 protein (p.Ala427Thr). This variant is present in population databases (rs771743528, gnomAD 0.01%). This variant has not been reported in the literature in individuals affected with SQSTM1-related conditions. ClinVar contains an entry for this variant (Variation ID: 3068681). Invitae Evidence Modeling of protein sequence and biophysical properties (such as structural, functional, and spatial information, amino acid conservation, physicochemical variation, residue mobility, and thermodynamic stability) indicates that this missense variant is not expected to disrupt SQSTM1 protein function with a negative predictive value of 80%. In summary, the available evidence is currently insufficient to determine the role of this variant in disease. Therefore, it has been classified as a Variant of Uncertain Significance.

Molecular Genetics, Royal Melbourne Hospital
Classification: Uncertain significance for Neurodegeneration with ataxia, dystonia, and gaze palsy, childhood-onset. Last evaluated: 2023-06-06. Review status: criteria provided, single submitter. Criteria: ACMG Guidelines, 2015. Collection method: clinical testing. Allele origin: germline. Inheritance: Autosomal recessive inheritance.
Comment: This sequence change in SQSTM1 is predicted to replace alanine with threonine at codon 427, p.(Ala427Thr). The alanine residue is highly conserved (97 vertebrates, UCSC), and is located in the UBA domain. There is a small physicochemical difference between alanine and threonine. The highest population minor allele frequency in the population database gnomAD v2.1 is 0.013% (4/30,616 alleles) in the South Asian population. To our knowledge, this variant has not been previously reported in the relevant scientific literature or databases. Computational evidence predicts a deleterious effect for the missense substitution (REVEL = 0.67). Based on the classification scheme RMH Modified ACMG/AMP Guidelines v1.6.1, this variant is classified as a VARIANT OF UNCERTAIN SIGNIFICANCE. Following criteria are met: PM2_Supporting, PP3